The following is an entry in ClinVar:

NM_001382508.1(DROSHA):c.1617C>T (p.Ser539=)

Gene: DROSHA (drosha ribonuclease III; minus strand). Cytogenetic location: 5p13.3.
Variant type: single nucleotide variant.
Coding change: c.1617C>T on transcript NM_001382508.1 (MANE Select); coding-DNA position 1617, C replaced by T.
Protein change: p.Ser539=; no amino-acid change (serine 539 retained).
Molecular consequence: synonymous variant.
Genome position (GRCh38, 1-based): chr5:31,504,606, G>A on the plus strand (C>T on the coding strand, the complement: DROSHA is on the minus strand). VCF-style: chr5-31504606-G-A. GRCh37 (hg19) VCF-style: chr5-31504713-G-A.
Other names: c.1506C>T, p.Ser502= (NM_001100412.2); c.1617C>T, p.Ser539= (NM_013235.5).
Identifiers: ClinVar variation 3031906 (VCV003031906.2), dbSNP rs372996287, ClinGen allele CA3217646.

ClinVar aggregate classification (germline): Likely benign (0 of 4 stars; one submission).

Conditions:
DROSHA-related disorder. Also called: DROSHA-related condition.

Allele frequency attached by ClinVar (database versions not stated): gnomAD 0.00005; TOPMed 0.00005; ExAC 0.00013; ESP Exome Variant Server 0.00016.
gnomAD v4.1: 58 of 1,613,748 alleles (0.0036%); highest among the groups gnomAD compares: East Asian, 0.0045%; no homozygotes.

Submission:

PreventionGenetics, part of Exact Sciences
Classification: Likely benign for DROSHA-related condition. Last evaluated: 2022-02-03. Review status: no assertion criteria provided. Collection method: clinical testing. Allele origin: germline.
Comment: This variant is classified as likely benign based on ACMG/AMP sequence variant interpretation guidelines (Richards et al. 2015 PMID: 25741868, with internal and published modifications).